The following is an entry in ClinVar:

ClinVar aggregate classification (germline): Likely benign (1 of 4 stars; one submission).

Allele frequency attached by ClinVar (database versions not stated): gnomAD exomes 0.00007; ExAC 0.00024; gnomAD 0.00064; ESP Exome Variant Server 0.00077; 1000 Genomes Project 30x 0.00078; 1000 Genomes Project 0.00080; TOPMed 0.00080.
gnomAD v4.1: 195 of 1,613,470 alleles (0.012%); highest among the groups gnomAD compares: African/African-American, 0.25%; no homozygotes.

Submission:

CeGaT Center for Human Genetics Tuebingen
Classification: Likely benign. Last evaluated: 2022-03-01. Review status: criteria provided, single submitter. Criteria: CeGaT Center For Human Genetics Tuebingen Variant Classification Criteria Version 2. Collection method: clinical testing. Allele origin: germline. Affected: yes. Observed: 1 variant allele.
Comment: FLACC1: BP4, BP7

NM_001127391.3(FLACC1):c.135T>C (p.Ala45=)

Gene: FLACC1 (flagellum associated containing coiled-coil domains 1; minus strand). Cytogenetic location: 2q33.1.
Variant type: single nucleotide variant.
Coding change: c.135T>C on transcript NM_001127391.3 (MANE Select); coding-DNA position 135, T replaced by C.
Protein change: p.Ala45=; no amino-acid change (alanine 45 retained).
Molecular consequence: synonymous variant. On other transcripts: non-coding transcript variant (1).
Genome position (GRCh38, 1-based): chr2:201,350,761, A>G on the plus strand (T>C on the coding strand, the complement: FLACC1 is on the minus strand). VCF-style: chr2-201350761-A-G. GRCh37 (hg19) VCF-style: chr2-202215484-A-G.
Other names: c.135T>C, p.Ala45= (NM_001289993.2, NM_139163.4).
Identifiers: ClinVar variation 2651817 (VCV002651817.24), dbSNP rs140281898, ClinGen allele CA2054297.
Genomic context (GRCh38, chr2:201,350,761, plus strand): 5'-CAATACTTACTTTGGGGAAACAACAGGTTTTGTTGGTTGGAGGTAATTGTGATTTTTTGG[A>G]GCTGGTACAAGAGGAGTTAGCCTGAAAGTGAAAAACAAATAACTAAAACAAGAACATTGG-3'
Protein context (NP_001120863.1, residues 35-55): GSSKLTPLVP[Ala45=]PKNHNYLQPT